The following is an entry in ClinVar:

ClinVar aggregate classification (germline): Uncertain significance (1 of 4 stars; one submission).

Submission:

CeGaT Center for Human Genetics Tuebingen
Classification: Uncertain significance. Last evaluated: 2024-02-01. Review status: criteria provided, single submitter. Criteria: CeGaT Center For Human Genetics Tuebingen Variant Classification Criteria Version 2. Collection method: clinical testing. Allele origin: germline. Affected: yes. Observed: 1 variant allele.
Comment: TPM2: PM2

NM_003289.4(TPM2):c.524A>G (p.Glu175Gly)

Gene: TPM2 (tropomyosin 2; minus strand). Cytogenetic location: 9p13.3.
Variant type: single nucleotide variant.
Coding change: c.524A>G on transcript NM_003289.4 (MANE Select); coding-DNA position 524, A replaced by G.
Protein change: p.Glu175Gly; replaces glutamic acid 175 with glycine.
Molecular consequence: missense variant.
Genome position (GRCh38, 1-based): chr9:35,685,308, T>C on the plus strand (A>G on the coding strand, the complement: TPM2 is on the minus strand). VCF-style: chr9-35685308-T-C. GRCh37 (hg19) VCF-style: chr9-35685305-T-C.
Other names: c.524A>G, p.Glu175Gly (NM_001301226.2, NM_001301227.2, NM_213674.1); short protein forms E175G.
Identifiers: ClinVar variation 3027239 (VCV003027239.22), dbSNP rs1452572478, ClinGen allele CA373366685.